The following is an entry in ClinVar:

NM_148919.4(PSMB8):c.600G>A (p.Thr200=)

Gene: PSMB8 (proteasome 20S subunit beta 8; minus strand). Cytogenetic location: 6p21.32.
Variant type: single nucleotide variant.
Coding change: c.600G>A on transcript NM_148919.4 (MANE Select); coding-DNA position 600, G replaced by A.
Protein change: p.Thr200=; no amino-acid change (threonine 200 retained).
Molecular consequence: synonymous variant.
Genome position (GRCh38, 1-based): chr6:32,841,673, C>T on the plus strand (G>A on the coding strand, the complement: PSMB8 is on the minus strand). VCF-style: chr6-32841673-C-T. GRCh37 (hg19) VCF-style: chr6-32809450-C-T.
Other names: c.588G>A, p.Thr196= (NM_004159.5).
Identifiers: ClinVar variation 1055323 (VCV001055323.10), dbSNP rs777265725, ClinGen allele CA449753681.

ClinVar aggregate classification (germline): Uncertain significance. Review status: criteria provided, multiple submitters, no conflicts (2 of 4 stars). 2 submissions from 2 submitters: Uncertain significance (2). Last evaluated 2022-04-08.

Conditions:
Proteosome-associated autoinflammatory syndrome. Also called: Proteasome-associated autoinflammatory syndrome. Identifiers: Orphanet 324977, MedGen C1850568, MONDO:0009726.

Allele frequency attached by ClinVar (database versions not stated): gnomAD 0.00002; TOPMed 0.00002.

Submissions (2):

Labcorp Genetics (formerly Invitae), Labcorp
Classification: Uncertain significance for Proteosome-associated autoinflammatory syndrome. Last evaluated: 2022-04-08. Review status: criteria provided, single submitter. Criteria: Invitae Variant Classification Sherloc (09022015). Collection method: clinical testing. Allele origin: germline.
Comment: This sequence change affects codon 200 of the PSMB8 mRNA. It is a 'silent' change, meaning that it does not change the encoded amino acid sequence of the PSMB8 protein. This variant is present in population databases (no rsID available, gnomAD 0.01%). This variant has not been reported in the literature in individuals affected with PSMB8-related conditions. ClinVar contains an entry for this variant (Variation ID: 1055323). Algorithms developed to predict the effect of sequence changes on RNA splicing suggest that this variant may create or strengthen a splice site. In summary, the available evidence is currently insufficient to determine the role of this variant in disease. Therefore, it has been classified as a Variant of Uncertain Significance.

Breakthrough Genomics
Classification: Uncertain significance. Review status: criteria provided, single submitter. Criteria: ACMG Guidelines, 2015. Collection method: not provided. Allele origin: germline. Inheritance: Autosomal recessive inheritance. Affected: yes.